The following is an entry in ClinVar:

ClinVar aggregate classification (germline): Uncertain significance (1 of 4 stars; one submission).

Allele frequency attached by ClinVar (database versions not stated): gnomAD exomes 0.00001; ExAC 0.00002; gnomAD 0.00002; TOPMed 0.00003.
gnomAD v4.1: 18 of 1,614,020 alleles (0.0011%); highest among the groups gnomAD compares: African/African-American, 0.0053%; no homozygotes.

Submission:

Labcorp Genetics (formerly Invitae), Labcorp
Classification: Uncertain significance. Last evaluated: 2023-08-22. Review status: criteria provided, single submitter. Criteria: Invitae Variant Classification Sherloc (09022015). Collection method: clinical testing. Allele origin: germline.
Comment: This variant has not been reported in the literature in individuals affected with RFWD3-related conditions. This sequence change replaces arginine, which is basic and polar, with glutamine, which is neutral and polar, at codon 451 of the RFWD3 protein (p.Arg451Gln). This variant is present in population databases (rs759194011, gnomAD 0.003%). An algorithm developed to predict the effect of missense changes on protein structure and function (PolyPhen-2) suggests that this variant is likely to be disruptive. In summary, the available evidence is currently insufficient to determine the role of this variant in disease. Therefore, it has been classified as a Variant of Uncertain Significance.

NM_018124.4(RFWD3):c.1352G>A (p.Arg451Gln)

Gene: RFWD3 (ring finger and WD repeat domain 3; minus strand). Cytogenetic location: 16q23.1.
Variant type: single nucleotide variant.
Coding change: c.1352G>A on transcript NM_018124.4 (MANE Select); coding-DNA position 1352, G replaced by A.
Protein change: p.Arg451Gln; replaces arginine 451 with glutamine.
Molecular consequence: missense variant.
Genome position (GRCh38, 1-based): chr16:74,636,420, C>T on the plus strand (G>A on the coding strand, the complement: RFWD3 is on the minus strand). VCF-style: chr16-74636420-C-T. GRCh37 (hg19) VCF-style: chr16-74670318-C-T.
Other names: c.518G>A, p.Arg173Gln (NM_001370540.1, NM_001370541.1, NM_001370542.1 and 3 more transcripts); c.1352G>A, p.Arg451Gln (NM_001370534.1, NM_001370535.1, NM_001370536.1); short protein forms R173Q, R451Q.
Identifiers: ClinVar variation 2906411 (VCV002906411.3), dbSNP rs759194011, ClinGen allele CA8169242.